The following is an entry in ClinVar:

NM_001083116.3(PRF1):c.806A>G (p.His269Arg)

Gene: PRF1 (perforin 1; minus strand). Cytogenetic location: 10q22.1.
Variant type: single nucleotide variant.
Coding change: c.806A>G on transcript NM_001083116.3 (MANE Select); coding-DNA position 806, A replaced by G.
Protein change: p.His269Arg; replaces histidine 269 with arginine.
Molecular consequence: missense variant.
Genome position (GRCh38, 1-based): chr10:70,598,915, T>C on the plus strand (A>G on the coding strand, the complement: PRF1 is on the minus strand). VCF-style: chr10-70598915-T-C. GRCh37 (hg19) VCF-style: chr10-72358671-T-C.
Other names: c.806A>G, p.His269Arg (NM_005041.6); short protein forms H269R.
Identifiers: ClinVar variation 2572579 (VCV002572579.2), dbSNP rs761293997, ClinGen allele CA5538910.

ClinVar aggregate classification (germline): Conflicting classifications of pathogenicity. Review status: criteria provided, conflicting classifications (1 of 4 stars). 2 submissions from 2 submitters: Uncertain significance (1); Likely benign (1). Last evaluated 2025-08-21.

Conditions:
Lymphoma, non-Hodgkin, familial. Identifiers: MedGen C4721532, MONDO:0011508, OMIM 605027.
Inborn genetic diseases. Identifiers: MedGen C0950123, MeSH D030342.

Allele frequency attached by ClinVar (database versions not stated): TOPMed below 0.00001; gnomAD 0.00001; ExAC 0.00004.
gnomAD v4.1: 24 of 1,614,126 alleles (0.0015%); highest among the groups gnomAD compares: South Asian, 0.023%; no homozygotes.

Submissions (2):

Ambry Genetics
Classification: Likely benign for Inborn genetic diseases. Last evaluated: 2025-08-21. Review status: criteria provided, single submitter. Criteria: Ambry Variant Classification Scheme 2023. Collection method: clinical testing. Allele origin: germline.

3billion
Classification: Uncertain significance for Lymphoma, non-Hodgkin, familial. Review status: criteria provided, single submitter. Criteria: ACMG Guidelines, 2015. Collection method: clinical testing. Allele origin: unknown. Affected: yes. Observed: 1 homozygote.
Comment: The variant is observed at an extremely low frequency in the gnomAD v2.1.1 dataset (total allele frequency: 0.003%). Missense changes are a common disease-causing mechanism. In silico tool predictions suggest damaging effect of the variant on gene or gene product (REVEL: 0.25; 3Cnet: 0.69). Therefore, this variant is classified as Uncertain significance according to the recommendation of ACMG/AMP guideline.